The following is an entry in ClinVar:

NM_133450.4(ANKS3):c.1230C>T (p.Gly410=)

Gene: ANKS3 (ankyrin repeat and sterile alpha motif domain containing 3; minus strand). Cytogenetic location: 16p13.3.
Variant type: single nucleotide variant.
Coding change: c.1230C>T on transcript NM_133450.4 (MANE Select); coding-DNA position 1230, C replaced by T.
Protein change: p.Gly410=; no amino-acid change (glycine 410 retained).
Molecular consequence: synonymous variant. On other transcripts: non-coding transcript variant (1).
Genome position (GRCh38, 1-based): chr16:4,701,024, G>A on the plus strand (C>T on the coding strand, the complement: ANKS3 is on the minus strand). VCF-style: chr16-4701024-G-A. GRCh37 (hg19) VCF-style: chr16-4751025-G-A.
Other names: c.909C>T, p.Gly303= (NM_001242929.2); c.843C>T, p.Gly281= (NM_001308089.2); c.711C>T, p.Gly237= (NM_001324129.2); c.360C>T, p.Gly120= (NM_001324130.2).
Identifiers: ClinVar variation 2646158 (VCV002646158.24), dbSNP rs144928887, ClinGen allele CA7879927.

ClinVar aggregate classification (germline): Likely benign (1 of 4 stars; one submission).

Allele frequency attached by ClinVar (database versions not stated): 1000 Genomes Project 0.00280; 1000 Genomes Project 30x 0.00297; ESP Exome Variant Server 0.00362; gnomAD 0.00420.
gnomAD v4.1: 8,291 of 1,614,082 alleles (0.51%); highest among the groups gnomAD compares: Non-Finnish European, 0.53%; 42 homozygotes.

Submission:

CeGaT Center for Human Genetics Tuebingen
Classification: Likely benign. Last evaluated: 2022-04-01. Review status: criteria provided, single submitter. Criteria: CeGaT Center For Human Genetics Tuebingen Variant Classification Criteria Version 2. Collection method: clinical testing. Allele origin: germline. Affected: yes. Observed: 1 variant allele.
Comment: ANKS3: BP4, BP7